The following is an entry in ClinVar:

NM_001159995.3(NRG1):c.37+973G>A

Gene: NRG1 (neuregulin 1; plus strand). Cytogenetic location: 8p12.
Variant type: single nucleotide variant.
Coding change: c.37+973G>A on transcript NM_001159995.3; 973 bases into the intron after coding-DNA position 37, G replaced by A.
Molecular consequence: intron variant. On other transcripts: synonymous variant (1).
Genome position (GRCh38, 1-based): chr8:31,640,404, G>A. VCF-style: chr8-31640404-G-A. GRCh37 (hg19) VCF-style: chr8-31497920-G-A.
Other names: c.420G>A, p.Val140= (NM_013962.3); c.37+973G>A (NM_001159999.3, NM_001160001.3); c.-556+973G>A (NM_001322201.2); c.-505+973G>A (NM_001322202.2).
Identifiers: ClinVar variation 4085287 (VCV004085287.8).

ClinVar aggregate classification (germline): Likely benign (1 of 4 stars; one submission).

gnomAD v4.1: 3 of 1,459,052 alleles (0.00021%); highest among the groups gnomAD compares: Non-Finnish European, 0.00027%; no homozygotes.

Submission:

CeGaT Center for Human Genetics Tuebingen
Classification: Likely benign. Last evaluated: 2025-06-01. Review status: criteria provided, single submitter. Criteria: CeGaT Center For Human Genetics Tuebingen Variant Classification Criteria Version 2. Collection method: clinical testing. Allele origin: germline. Affected: yes. Observed: 1 variant allele.
Comment: NRG1: BP4, BP7